The following is an entry in ClinVar:

ClinVar aggregate classification (germline): Likely benign (1 of 4 stars; one submission).

gnomAD v4.1: 22 of 1,614,102 alleles (0.0014%); highest among the groups gnomAD compares: Admixed American, 0.022%; no homozygotes.

Submission:

CeGaT Center for Human Genetics Tuebingen
Classification: Likely benign. Last evaluated: 2026-07-01. Review status: criteria provided, single submitter. Criteria: CeGaT Center For Human Genetics Tuebingen Variant Classification Criteria Version 2. Collection method: clinical testing. Allele origin: germline. Affected: yes. Observed: 1 variant allele.
Comment: HERC2: BP4, BP7

NM_004667.6(HERC2):c.12186T>A (p.Ser4062=)

Gene: HERC2 (HECT and RLD domain containing E3 ubiquitin protein ligase 2; minus strand). Cytogenetic location: 15q13.1.
Variant type: single nucleotide variant.
Coding change: c.12186T>A on transcript NM_004667.6 (MANE Select); coding-DNA position 12186, T replaced by A.
Protein change: p.Ser4062=; no amino-acid change (serine 4062 retained).
Molecular consequence: synonymous variant.
Genome position (GRCh38, 1-based): chr15:28,135,522, A>T on the plus strand (T>A on the coding strand, the complement: HERC2 is on the minus strand). VCF-style: chr15-28135522-A-T. GRCh37 (hg19) VCF-style: chr15-28380668-A-T.
Identifiers: ClinVar variation 5040081 (VCV005040081.1).